The following is an entry in ClinVar:

NM_000246.4(CIITA):c.1474_1475dup (p.Asp492fs)

Gene: CIITA (class II major histocompatibility complex transactivator; plus strand). Cytogenetic location: 16p13.13.
Variant type: Duplication.
Coding change: c.1474_1475dup on transcript NM_000246.4 (MANE Select); coding-DNA positions 1474 to 1475, 2 bases duplicated (GA; older notation c.1474_1475dupGA).
Protein change: p.Asp492fs; shifts the reading frame from aspartic acid 492.
Molecular consequence: frameshift variant. On other transcripts: intron variant (1).
Genome position (GRCh38, 1-based): chr16:10,906,966-10,906,967, GA duplicated. VCF-style (leftmost placement, unchanged base first): chr16-10906965-T-TGA. GRCh37 (hg19) VCF-style: chr16-11000822-T-TGA.
Other names: c.1477_1478dup, p.Asp493fs (NM_001286402.1, NM_001379332.1); c.1330_1331dup, p.Asp444fs (NM_001379330.1); c.1327_1328dup, p.Asp443fs (NM_001379331.1); c.1474_1475dup, p.Asp492fs (NM_001379333.1); c.1405_1406dup, p.Asp469fs (NM_001379334.1); c.860-2017_860-2016dup (NM_001286403.2); short protein forms D443fs, D444fs, D469fs, D492fs, D493fs.
Identifiers: ClinVar variation 4064747 (VCV004064747.2).

ClinVar aggregate classification (germline): Likely pathogenic (1 of 4 stars; one submission).

Conditions:
MHC class II deficiency. Also called: BLS, TYPE II; Bare lymphocyte syndrome 2. Identifiers: Orphanet 572, MedGen C5447452, MONDO:0008855.

Submission:

Natera, Inc.
Classification: Likely pathogenic for Bare lymphocyte syndrome type II. Last evaluated: 2025-04-28. Review status: criteria provided, single submitter. Criteria: Natera Variant Classification Schema (03/2026). Collection method: clinical testing. Allele origin: germline.
Comment: The c.1474_1475dup variant in CIITA is a frameshift variant predicted to shift the reading frame beginning at codon 492 and leads to a stop codon 8 codons downstream. This variant is expected to result in nonsense mediated decay, truncation, or a dysfunctional protein product. This variant is rare in the general population with a frequency below the threshold expected for the associated phenotype(s). Given the available evidence, this variant is classified as Likely Pathogenic.